The following is an entry in ClinVar:

ClinVar aggregate classification (germline): Uncertain significance (1 of 4 stars; one submission).

gnomAD v4.1: 5 of 1,606,306 alleles (0.00031%); highest among the groups gnomAD compares: Non-Finnish European, 0.00042%; no homozygotes.

Submission:

Clinical Genomics Laboratory, Washington University in St. Louis
Classification: Uncertain significance. Last evaluated: 2025-11-04. Review status: criteria provided, single submitter. Criteria: ACMG Guidelines, 2015. Collection method: clinical testing. Allele origin: germline.
Comment: The GIGYF1 c.1834T>C (p.Phe612Leu) variant, to our knowledge, has not been reported in the medical literature. This variant is only observed in 1/240,574 alleles in the general population (gnomAD v.2.1.1), indicating it is not a common variant. Computational predictors suggest that the variant does not impact GIGYF1 function. Due to limited information, the clinical significance of this variant is uncertain.

NM_001375765.1(GIGYF1):c.1834T>C (p.Phe612Leu)

Gene: GIGYF1 (GRB10 interacting GYF protein 1; minus strand). Cytogenetic location: 7q22.1.
Variant type: single nucleotide variant.
Coding change: c.1834T>C on transcript NM_001375765.1 (MANE Select); coding-DNA position 1834, T replaced by C.
Protein change: p.Phe612Leu; replaces phenylalanine 612 with leucine.
Molecular consequence: missense variant. On other transcripts: non-coding transcript variant (1).
Genome position (GRCh38, 1-based): chr7:100,684,054, A>G on the plus strand (T>C on the coding strand, the complement: GIGYF1 is on the minus strand). VCF-style: chr7-100684054-A-G. GRCh37 (hg19) VCF-style: chr7-100281677-A-G.
Other names: c.1834T>C, p.Phe612Leu (NM_001375759.1, NM_001375760.1, NM_001375761.1 and 6 more transcripts); short protein forms F612L.
Identifiers: ClinVar variation 4879237 (VCV004879237.1).